The following is an entry in ClinVar:

NM_001382430.1(AKT1):c.1376A>G (p.Glu459Gly)

Gene: AKT1 (AKT serine/threonine kinase 1; minus strand). Cytogenetic location: 14q32.33.
Variant type: single nucleotide variant.
Coding change: c.1376A>G on transcript NM_001382430.1 (MANE Select); coding-DNA position 1376, A replaced by G.
Protein change: p.Glu459Gly; replaces glutamic acid 459 with glycine.
Molecular consequence: missense variant.
Genome position (GRCh38, 1-based): chr14:104,770,408, T>C on the plus strand (A>G on the coding strand, the complement: AKT1 is on the minus strand). VCF-style: chr14-104770408-T-C. GRCh37 (hg19) VCF-style: chr14-105236745-T-C.
Other names: c.1376A>G, p.Glu459Gly (NM_001014431.2, NM_001014432.2, NM_001382431.1 and 3 more transcripts); short protein forms E459G.
Identifiers: ClinVar variation 4036048 (VCV004036048.1).
Genomic context (GRCh38, chr14:104,770,408, plus strand): 5'-GTGCCGCTGGCCGAGTAGGAGAACTGGGGGAAGTGGGGCCTGCGCTCGCTGTCCACACAC[T>C]CCATGCTGTCATCTGTGGGTGTAGACAGCTCAGACCCCGGTGCCCCACCTCCCTGCCACC-3'
Protein context (NP_001369359.1, residues 449-469): ITPPDQDDSM[Glu459Gly]CVDSERRPHF

ClinVar aggregate classification (germline): Uncertain significance (1 of 4 stars; one submission).

Conditions:
Inborn genetic diseases. Identifiers: MedGen C0950123, MeSH D030342.

gnomAD v4.1: 2 of 1,611,440 alleles (0.00012%); highest among the groups gnomAD compares: African/African-American, 0.0027%; no homozygotes.

Submission:

Ambry Genetics
Classification: Uncertain significance for Inborn genetic diseases. Last evaluated: 2025-04-21. Review status: criteria provided, single submitter. Criteria: Ambry Variant Classification Scheme 2023. Collection method: clinical testing. Allele origin: germline.
Comment: The p.E459G variant (also known as c.1376A>G), located in coding exon 13 of the AKT1 gene, results from an A to G substitution at nucleotide position 1376. The glutamic acid at codon 459 is replaced by glycine, an amino acid with similar properties. This amino acid position is conserved. In addition, this alteration is predicted to be tolerated by in silico analysis. Based on the available evidence, the clinical significance of this variant remains unclear.